The following is an entry in ClinVar:

NM_000260.4(MYO7A):c.2080C>G (p.Pro694Ala)

Gene: MYO7A (myosin VIIA; plus strand). Cytogenetic location: 11q13.5.
Variant type: single nucleotide variant.
Coding change: c.2080C>G on transcript NM_000260.4 (MANE Select); coding-DNA position 2080, C replaced by G.
Protein change: p.Pro694Ala; replaces proline 694 with alanine.
Molecular consequence: missense variant.
Genome position (GRCh38, 1-based): chr11:77,174,900, C>G. VCF-style: chr11-77174900-C-G. GRCh37 (hg19) VCF-style: chr11-76885946-C-G.
Other names: c.2080C>G, p.Pro694Ala (NM_001127180.2); c.2047C>G, p.Pro683Ala (NM_001369365.1); short protein forms P683A, P694A.
Identifiers: ClinVar variation 3634254 (VCV003634254.2).
Genomic context (GRCh38, chr11:77,174,900, plus strand): 5'-ATCCGCTACAGCTTCGTAGAGTTTGTGGAGCGGTACCGTGTGCTGCTGCCAGGTGTGAAG[C>G]CGGCCTACAAGCAGGTACAGGGCTGAGTGCACAGAGGGCAGGAGGGGAGGGTCCCAGCTT-3'
Protein context (NP_000251.3, residues 684-704): RYRVLLPGVK[Pro694Ala]AYKQGDLRGT

ClinVar aggregate classification (germline): Uncertain significance (1 of 4 stars; one submission).

Submission:

Labcorp Genetics (formerly Invitae), Labcorp
Classification: Uncertain significance. Last evaluated: 2024-05-29. Review status: criteria provided, single submitter. Criteria: Invitae Variant Classification Sherloc (09022015). Collection method: clinical testing. Allele origin: germline.
Comment: This sequence change replaces proline, which is neutral and non-polar, with alanine, which is neutral and non-polar, at codon 694 of the MYO7A protein (p.Pro694Ala). This variant is not present in population databases (gnomAD no frequency). This variant has not been reported in the literature in individuals affected with MYO7A-related conditions. Advanced modeling of protein sequence and biophysical properties (such as structural, functional, and spatial information, amino acid conservation, physicochemical variation, residue mobility, and thermodynamic stability) performed at Invitae indicates that this missense variant is not expected to disrupt MYO7A protein function with a negative predictive value of 95%. In summary, the available evidence is currently insufficient to determine the role of this variant in disease. Therefore, it has been classified as a Variant of Uncertain Significance.